The following is an entry in ClinVar:

ClinVar aggregate classification (germline): Conflicting classifications of pathogenicity. Review status: criteria provided, conflicting classifications (1 of 4 stars). 10 submissions from 6 submitters: Uncertain significance (3); Benign (3); Likely benign (4). Last evaluated 2025-10-24.

Conditions:
Cardiovascular phenotype. Identifiers: MedGen CN230736.
Dilated cardiomyopathy 1G (CMD1G). Identifiers: Orphanet 154, MedGen C1858763, MONDO:0011400, OMIM 604145.
Autosomal recessive limb-girdle muscular dystrophy type 2J (LGMDR10). Also called: Limb-girdle muscular dystrophy, type 2J; MUSCULAR DYSTROPHY, LIMB-GIRDLE, AUTOSOMAL RECESSIVE 10. Identifiers: Orphanet 140922, MedGen C1837342, MONDO:0012127, OMIM 608807.
Early-onset myopathy with fatal cardiomyopathy (CMYO5). Also called: Salih Myopathy; CONGENITAL MYOPATHY 5 WITH CARDIOMYOPATHY. Identifiers: Orphanet 289377, MedGen C2673677, MONDO:0012714, OMIM 611705. Disease mechanism: loss of function.
Myopathy, myofibrillar, 9, with early respiratory failure (MFM9). Also called: EDSTROM MYOPATHY; Hereditary myopathy with early respiratory failure; Myopathy, distal, with early respiratory failure, autosomal dominant; MYOPATHY, PROXIMAL, WITH EARLY RESPIRATORY MUSCLE INVOLVEMENT. Identifiers: Orphanet 178464, Orphanet 34521, MedGen C1863599, MONDO:0011362, OMIM 603689.
Cardiomyopathy (CMYO). Also called: Cardiomyopathies. Identifiers: Orphanet 167848, MedGen C0878544, MONDO:0004994, HP:0001638. Inheritance: Various modes of inheritance.
Tibial muscular dystrophy (TMD). Also called: Tibial muscular dystrophy, tardive; Udd Distal Myopathy – Tibial Muscular Dystrophy; UDD MYOPATHY. Identifiers: Orphanet 609, MedGen C1838244, MONDO:0010870, OMIM 600334.

Allele frequency attached by ClinVar (database versions not stated): gnomAD 0.00001 and 0.00003; TOPMed 0.00001; gnomAD exomes 0.00014; ExAC 0.00016; 1000 Genomes Project 30x 0.00031; 1000 Genomes Project 0.00040.
gnomAD v4.1: 93 of 1,614,054 alleles (0.0058%); highest among the groups gnomAD compares: South Asian, 0.071%; no homozygotes.

Submissions (10):

Labcorp Genetics (formerly Invitae), Labcorp
Classification: Likely benign for Dilated cardiomyopathy 1G; Autosomal recessive limb-girdle muscular dystrophy type 2J. Last evaluated: 2025-10-24. Review status: criteria provided, single submitter. Criteria: Invitae Variant Classification Sherloc (09022015). Collection method: clinical testing. Allele origin: germline.

Blueprint Genetics
Classification: Likely benign. Last evaluated: 2021-12-28. Review status: criteria provided, single submitter. Criteria: ACMG Guidelines, 2015. Collection method: clinical testing. Allele origin: germline.

GeneDx
Classification: Likely benign. Last evaluated: 2020-10-02. Review status: criteria provided, single submitter. Criteria: GeneDx Variant Classification Process June 2021. Collection method: clinical testing. Allele origin: germline. Affected: yes.

Ambry Genetics
Classification: Likely benign for Cardiovascular phenotype. Last evaluated: 2020-09-13. Review status: criteria provided, single submitter. Criteria: Ambry Variant Classification Scheme 2023. Collection method: clinical testing. Allele origin: germline.

CHEO Genetics Diagnostic Laboratory, Children's Hospital of Eastern Ontario
Classification: Benign for Cardiomyopathy. Last evaluated: 2018-02-26. Review status: criteria provided, single submitter. Criteria: ACMG Guidelines, 2015. Collection method: clinical testing. Allele origin: germline.

Illumina Laboratory Services, Illumina
Classification: Uncertain significance for Early-onset myopathy with fatal cardiomyopathy. Last evaluated: 2018-01-13. Review status: criteria provided, single submitter. Criteria: ICSL Variant Classification Criteria 13 December 2019. Collection method: clinical testing. Allele origin: germline.

Illumina Laboratory Services, Illumina
Classification: Benign for Myopathy, myofibrillar, 9, with early respiratory failure. Last evaluated: 2018-01-13. Review status: criteria provided, single submitter. Criteria: ICSL Variant Classification Criteria 13 December 2019. Collection method: clinical testing. Allele origin: germline.
Comment: This variant was observed in the ICSL laboratory as part of a predisposition screen in an ostensibly healthy population. It had not been previously curated by ICSL or reported in the Human Gene Mutation Database (HGMD: prior to June 1st, 2018), and was therefore a candidate for classification through an automated scoring system. Utilizing variant allele frequency, disease prevalence and penetrance estimates, and inheritance mode, an automated score was calculated to assess if this variant is too frequent to cause the disease. Based on the score and internal cut-off values, a variant classified as benign is not then subjected to further curation. The score for this variant resulted in a classification of benign for this disease.

Illumina Laboratory Services, Illumina
Classification: Uncertain significance for Dilated cardiomyopathy 1G. Last evaluated: 2018-01-13. Review status: criteria provided, single submitter. Criteria: ICSL Variant Classification Criteria 13 December 2019. Collection method: clinical testing. Allele origin: germline.

Illumina Laboratory Services, Illumina
Classification: Uncertain significance for Autosomal recessive limb-girdle muscular dystrophy type 2J. Last evaluated: 2018-01-13. Review status: criteria provided, single submitter. Criteria: ICSL Variant Classification Criteria 13 December 2019. Collection method: clinical testing. Allele origin: germline.

Illumina Laboratory Services, Illumina
Classification: Benign for Tibial muscular dystrophy. Last evaluated: 2018-01-13. Review status: criteria provided, single submitter. Criteria: ICSL Variant Classification Criteria 13 December 2019. Collection method: clinical testing. Allele origin: germline.
Comment: the same text as in the submission from Illumina Laboratory Services, Illumina above.

NM_001267550.2(TTN):c.9918G>A (p.Ala3306=)

Gene: TTN (titin; minus strand). Cytogenetic location: 2q31.2.
Variant type: single nucleotide variant.
Coding change: c.9918G>A on transcript NM_001267550.2 (MANE Select); coding-DNA position 9918, G replaced by A.
Protein change: p.Ala3306=; no amino-acid change (alanine 3306 retained).
Molecular consequence: synonymous variant.
Genome position (GRCh38, 1-based): chr2:178,764,597, C>T on the plus strand (G>A on the coding strand, the complement: TTN is on the minus strand). VCF-style: chr2-178764597-C-T. GRCh37 (hg19) VCF-style: chr2-179629324-C-T.
Other names: c.9780G>A, p.Ala3260= (NM_003319.4, NM_133432.3, NM_133437.4); c.9918G>A, p.Ala3306= (NM_133379.5, NM_001256850.1, NM_133378.4).
Identifiers: ClinVar variation 506400 (VCV000506400.19), dbSNP rs533798702, ClinGen allele CA2004226.